The following is an entry in ClinVar:

NM_001807.6(CEL):c.1231G>A (p.Val411Ile)

Gene: CEL (carboxyl ester lipase; plus strand). Cytogenetic location: 9q34.13.
Variant type: single nucleotide variant.
Coding change: c.1231G>A on transcript NM_001807.6 (MANE Select); coding-DNA position 1231, G replaced by A.
Protein change: p.Val411Ile; replaces valine 411 with isoleucine.
Molecular consequence: missense variant.
Genome position (GRCh38, 1-based): chr9:133,069,204, G>A. VCF-style: chr9-133069204-G-A. GRCh37 (hg19) VCF-style: chr9-135944591-G-A.
Other names: short protein forms V411I.
Identifiers: ClinVar variation 2659667 (VCV002659667.24), dbSNP rs753229766, ClinGen allele CA5303307.

ClinVar aggregate classification (germline): Benign (1 of 4 stars; one submission).

Allele frequency attached by ClinVar (database versions not stated): 1000 Genomes Project 30x 0.00031; ExAC 0.00101.

Submission:

CeGaT Center for Human Genetics Tuebingen
Classification: Benign. Last evaluated: 2022-09-01. Review status: criteria provided, single submitter. Criteria: CeGaT Center For Human Genetics Tuebingen Variant Classification Criteria Version 2. Collection method: clinical testing. Allele origin: germline. Affected: yes. Observed: 1 variant allele.
Comment: CEL: BS1, BS2